The following is an entry in ClinVar:

ClinVar aggregate classification (germline): Uncertain significance (1 of 4 stars; one submission).

Conditions:
Arrhythmogenic right ventricular dysplasia 5. Also called: Arrhythmogenic Right Ventricular Dysplasia/Cardiomyopathy 5; ARRHYTHMOGENIC RIGHT VENTRICULAR DYSPLASIA, FAMILIAL, 5. Identifiers: MedGen C1858379, MONDO:0011459, OMIM 604400.

Submission:

Labcorp Genetics (formerly Invitae), Labcorp
Classification: Uncertain significance for Arrhythmogenic right ventricular dysplasia 5. Last evaluated: 2025-09-03. Review status: criteria provided, single submitter. Criteria: Invitae Variant Classification Sherloc (09022015). Collection method: clinical testing. Allele origin: germline.
Comment: This sequence change replaces glycine, which is neutral and non-polar, with glutamic acid, which is acidic and polar, at codon 237 of the TMEM43 protein (p.Gly237Glu). This variant is not present in population databases (gnomAD no frequency). This variant has not been reported in the literature in individuals affected with TMEM43-related conditions. ClinVar contains an entry for this variant (Variation ID: 1931989). Invitae Evidence Modeling of protein sequence and biophysical properties (such as structural, functional, and spatial information, amino acid conservation, physicochemical variation, residue mobility, and thermodynamic stability) indicates that this missense variant is expected to disrupt TMEM43 protein function with a positive predictive value of 80%. In summary, the available evidence is currently insufficient to determine the role of this variant in disease. Therefore, it has been classified as a Variant of Uncertain Significance.

NM_024334.3(TMEM43):c.710G>A (p.Gly237Glu)

Gene: TMEM43 (transmembrane protein 43; plus strand). Cytogenetic location: 3p25.1.
Variant type: single nucleotide variant.
Coding change: c.710G>A on transcript NM_024334.3 (MANE Select); coding-DNA position 710, G replaced by A.
Protein change: p.Gly237Glu; replaces glycine 237 with glutamic acid.
Molecular consequence: missense variant.
Genome position (GRCh38, 1-based): chr3:14,135,162, G>A. VCF-style: chr3-14135162-G-A. GRCh37 (hg19) VCF-style: chr3-14176662-G-A.
Other names: c.713G>A, p.Gly238Glu (NM_001407274.1); c.710G>A, p.Gly237Glu (NM_001407275.1, NM_001407276.1, NM_001407277.1); c.695G>A, p.Gly232Glu (NM_001407278.1); c.560G>A, p.Gly187Glu (NM_001407280.1); short protein forms G237E, G238E, G232E, G187E.
Identifiers: ClinVar variation 1931989 (VCV001931989.5), dbSNP rs2470189096, ClinGen allele CA351535705.
Genomic context (GRCh38, chr3:14,135,162, plus strand): 5'-TGGGCCTGGGCCAGCTACTCCGTTCCTCACTCTCCCTGCTTCTCTTCCACCCCCAGGTGG[G>A]AGACTTGCGTGTCTCCTTTTCCTATGCTGGACTGAGCGGCGATGACCCTGACCTGGGCCC-3'
Protein context (NP_077310.1, residues 227-247): HSENPKYPEV[Gly237Glu]DLRVSFSYAG